The following is an entry in ClinVar:

ClinVar aggregate classification (germline): Conflicting classifications of pathogenicity. Review status: criteria provided, conflicting classifications (1 of 4 stars). 3 submissions from 3 submitters: Likely pathogenic (1); Uncertain significance (2). Last evaluated 2025-10-15.

Conditions:
Parenti-mignot neurodevelopmental syndrome. Identifiers: MedGen C5676984, MONDO:0859249, OMIM 619873.

Allele frequency attached by ClinVar (database versions not stated): gnomAD exomes below 0.00001.
gnomAD v4.1: 1 of 1,613,814 alleles (0.000062%); highest among the groups gnomAD compares: Non-Finnish European, 0.000085%; no homozygotes.

Submissions (3):

Dasa
Classification: Likely pathogenic. Last evaluated: 2025-10-15. Review status: criteria provided, single submitter. Criteria: DASA Assertion Criteria. Collection method: clinical testing. Allele origin: germline.
Comment: NM_015557.3(CHD5):c.4030C>T (p.Arg1344Cys) is a missense variant that results in the substitution of arginine with cysteine. The affected residue or protein region has prior evidence supporting clinical relevance. This variant is rare in population databases. Computational evidence supports a deleterious effect. Based on the currently available evidence, this variant is classified as likely pathogenic.

Revvity Omics, Revvity
Classification: Uncertain significance for Parenti-mignot neurodevelopmental syndrome. Last evaluated: 2025-04-08. Review status: criteria provided, single submitter. Criteria: ACMG Guidelines, 2015. Collection method: clinical testing. Allele origin: germline.

MVZ Medizinische Genetik Mainz
Classification: Uncertain significance for Parenti-mignot neurodevelopmental syndrome. Last evaluated: 2024-03-15. Review status: criteria provided, single submitter. Criteria: UK Practice Guidelines For Variant Classification V4 01 2020. Collection method: clinical testing. Allele origin: germline. Inheritance: Autosomal dominant inheritance. Affected: yes. Observed: 1 variant allele.
Comment: ACMG Criteria: PM6_SUP,PP3_MOD,PM2_SUP,PP2

NM_015557.3(CHD5):c.4030C>T (p.Arg1344Cys)

Gene: CHD5 (chromodomain helicase DNA binding protein 5; minus strand). Cytogenetic location: 1p36.31.
Variant type: single nucleotide variant.
Coding change: c.4030C>T on transcript NM_015557.3 (MANE Select); coding-DNA position 4030, C replaced by T.
Protein change: p.Arg1344Cys; replaces arginine 1344 with cysteine.
Molecular consequence: missense variant.
Genome position (GRCh38, 1-based): chr1:6,126,620, G>A on the plus strand (C>T on the coding strand, the complement: CHD5 is on the minus strand). VCF-style: chr1-6126620-G-A. GRCh37 (hg19) VCF-style: chr1-6186680-G-A.
Other names: short protein forms R1344C.
Identifiers: ClinVar variation 3236773 (VCV003236773.4), dbSNP rs2525372111.